The following is an entry in ClinVar:

ClinVar aggregate classification (germline): Conflicting classifications of pathogenicity. Review status: criteria provided, conflicting classifications (1 of 4 stars). 4 submissions from 4 submitters: Uncertain significance (2); Likely benign (1). 1 of the submissions does not count toward it. Last evaluated 2025-12-31.

Conditions:
TRAPPC9-related disorder. Also called: TRAPPC9-related condition.
Inborn genetic diseases. Identifiers: MedGen C0950123, MeSH D030342.

Allele frequency attached by ClinVar (database versions not stated): gnomAD exomes 0.00032; ExAC 0.00042; ESP Exome Variant Server 0.00115; TOPMed 0.00135; gnomAD 0.00139 and 0.00147; 1000 Genomes Project 0.00180; 1000 Genomes Project 30x 0.00187.
gnomAD v4.1: 383 of 1,613,412 alleles (0.024%); highest among the groups gnomAD compares: African/African-American, 0.43%; 3 homozygotes.

Submissions (4):

Labcorp Genetics (formerly Invitae), Labcorp
Classification: Likely benign. Last evaluated: 2025-12-31. Review status: criteria provided, single submitter. Criteria: Invitae Variant Classification Sherloc (09022015). Collection method: clinical testing. Allele origin: germline.

Ambry Genetics
Classification: Uncertain significance for Inborn genetic diseases. Last evaluated: 2020-03-26. Review status: criteria provided, single submitter. Criteria: Ambry Variant Classification Scheme 2023. Collection method: clinical testing. Allele origin: germline.
Comment: The p.V1239M variant (also known as c.3715G>A), located in coding exon 23 of the TRAPPC9 gene, results from a G to A substitution at nucleotide position 3715. The valine at codon 1239 is replaced by methionine, an amino acid with highly similar properties. This amino acid position is not well conserved in available vertebrate species. In addition, this alteration is predicted to be tolerated by in silico analysis. Since supporting evidence is limited at this time, the clinical significance of this alteration remains unclear.

Genetic Services Laboratory, University of Chicago
Classification: Uncertain significance. Last evaluated: 2019-11-25. Review status: criteria provided, single submitter. Criteria: ACMG Guidelines, 2015. Collection method: clinical testing. Allele origin: germline. Affected: no.

PreventionGenetics, part of Exact Sciences
Classification: Likely benign for TRAPPC9-related condition. Last evaluated: 2022-04-12. Review status: no assertion criteria provided. Collection method: clinical testing. Allele origin: germline. Not counted in ClinVar's aggregate classification.
Comment: This variant is classified as likely benign based on ACMG/AMP sequence variant interpretation guidelines (Richards et al. 2015 PMID: 25741868, with internal and published modifications).

NM_001160372.4(TRAPPC9):c.3421G>A (p.Val1141Met)

Gene: TRAPPC9 (trafficking protein particle complex subunit 9; minus strand). Cytogenetic location: 8q24.3.
Variant type: single nucleotide variant.
Coding change: c.3421G>A on transcript NM_001160372.4 (MANE Select); coding-DNA position 3421, G replaced by A.
Protein change: p.Val1141Met; replaces valine 1141 with methionine.
Molecular consequence: missense variant. On other transcripts: non-coding transcript variant (1).
Genome position (GRCh38, 1-based): chr8:139,731,087, C>T on the plus strand (G>A on the coding strand, the complement: TRAPPC9 is on the minus strand). VCF-style: chr8-139731087-C-T. GRCh37 (hg19) VCF-style: chr8-140743330-C-T.
Other names: c.3394G>A, p.Val1132Met (NM_001321646.2); c.3442G>A, p.Val1148Met (NM_001374682.1); c.3310G>A, p.Val1104Met (NM_001374683.1); c.3277G>A, p.Val1093Met (NM_001374684.1); c.3421G>A, p.Val1141Met (NM_031466.8); short protein forms V1141M, V1239M, V1132M, V1093M, V1104M, V1148M.
Identifiers: ClinVar variation 587938 (VCV000587938.21), dbSNP rs140157207, ClinGen allele CA4892708.